The following is an entry in ClinVar:

NM_001367624.2(ZNF469):c.7418_7424del (p.Thr2473fs)

Gene: ZNF469 (zinc finger protein 469; plus strand). Cytogenetic location: 16q24.2.
Variant type: Microsatellite.
Coding change: c.7418_7424del on transcript NM_001367624.2 (MANE Select); coding-DNA positions 7418 to 7424, 7 bases deleted (CCTGTGA; older notation c.7418_7424delCCTGTGA).
Protein change: p.Thr2473fs; shifts the reading frame from threonine 2473.
Molecular consequence: frameshift variant.
Genome position (GRCh38, 1-based): chr16:88,434,888-88,434,894, CCTGTGA deleted; deleting any 7 consecutive bases within chr16:88,434,881-88,434,894 gives the same sequence; the c. name uses the placement nearest the transcript's 3' end. VCF-style (leftmost placement, unchanged base first): chr16-88434880-GCCTGTGA-G. GRCh37 (hg19) VCF-style: chr16-88501288-GCCTGTGA-G.
Other names: short protein forms T2473fs.
Identifiers: ClinVar variation 2818863 (VCV002818863.3), dbSNP rs2507596437, ClinGen allele CA2739266941.
Genomic context (GRCh38, chr16:88,434,880, plus strand): 5'-CTATAAAAAGAAGCCTGCATCTACAGAGAACGGCCAGTGGAAGGGCCAAGCTCCACATGG[GCCTGTGA>G]CCTGTGAGGTCTGCGCAGCCTCCTTCCGCTCCGGGCCGGGCCTGAGCCGGCACAAGGCCA-3'

ClinVar aggregate classification (germline): Pathogenic (1 of 4 stars; one submission).

Submission:

Labcorp Genetics (formerly Invitae), Labcorp
Classification: Pathogenic. Last evaluated: 2022-12-05. Review status: criteria provided, single submitter. Criteria: Invitae Variant Classification Sherloc (09022015). Collection method: clinical testing. Allele origin: germline.
Comment: For these reasons, this variant has been classified as Pathogenic. This variant disrupts a region of the ZNF469 protein in which other variant(s) (p.Arg3414Glyfs*59) have been determined to be pathogenic (PMID: 32671420). This suggests that this is a clinically significant region of the protein, and that variants that disrupt it are likely to be disease-causing. This variant has not been reported in the literature in individuals affected with ZNF469-related conditions. This variant is not present in population databases (gnomAD no frequency). This sequence change creates a premature translational stop signal (p.Thr2445Argfs*13) in the ZNF469 gene. While this is not anticipated to result in nonsense mediated decay, it is expected to disrupt the last 1481 amino acid(s) of the ZNF469 protein.

Literature cited by the submitters: PubMed 32671420.